The following is an entry in ClinVar:

ClinVar aggregate classification (germline): Uncertain significance. Review status: criteria provided, multiple submitters, no conflicts (2 of 4 stars). 2 submissions from 2 submitters: Uncertain significance (2). Last evaluated 2022-11-08.

Conditions:
Hypertrophic cardiomyopathy. Also called: HYPERTROPHIC MYOCARDIOPATHY. Identifiers: Orphanet 217569, MedGen C0007194, MeSH D002312, MONDO:0005045, HP:0001639.
Cardiovascular phenotype. Identifiers: MedGen CN230736.

Submissions (2):

Labcorp Genetics (formerly Invitae), Labcorp
Classification: Uncertain significance for Hypertrophic cardiomyopathy. Last evaluated: 2022-11-08. Review status: criteria provided, single submitter. Criteria: Invitae Variant Classification Sherloc (09022015). Collection method: clinical testing. Allele origin: germline.
Comment: This variant is not present in population databases (gnomAD no frequency). This sequence change replaces lysine, which is basic and polar, with asparagine, which is neutral and polar, at codon 397 of the MYH7 protein (p.Lys397Asn). This variant has not been reported in the literature in individuals affected with MYH7-related conditions. In summary, the available evidence is currently insufficient to determine the role of this variant in disease. Therefore, it has been classified as a Variant of Uncertain Significance. Advanced modeling of protein sequence and biophysical properties (such as structural, functional, and spatial information, amino acid conservation, physicochemical variation, residue mobility, and thermodynamic stability) performed at Invitae indicates that this missense variant is expected to disrupt MYH7 protein function.

Ambry Genetics
Classification: Uncertain significance for Cardiovascular phenotype. Last evaluated: 2018-03-08. Review status: criteria provided, single submitter. Criteria: Ambry Variant Classification Scheme 2023. Collection method: clinical testing. Allele origin: germline.
Comment: The p.K397N variant (also known as c.1191G>C), located in coding exon 11 of the MYH7 gene, results from a G to C substitution at nucleotide position 1191. The lysine at codon 397 is replaced by asparagine, an amino acid with similar properties. This amino acid position is highly conserved in available vertebrate species. Another alteration affecting this amino acid (p.K397E) was reportedly detected in an individual with cardiomyopathy and heart block who also had another MYH7 variant and variants in other cardiac-related genes (Mokhtar A et al. J Clin Case Rep. 2017;7(6)). In addition, the in silico prediction for this alteration is inconclusive. Since supporting evidence is limited at this time, the clinical significance of this alteration remains unclear.

NM_000257.4(MYH7):c.1191G>C (p.Lys397Asn)

Gene: MYH7 (myosin heavy chain 7; minus strand). Cytogenetic location: 14q11.2.
Variant type: single nucleotide variant.
Coding change: c.1191G>C on transcript NM_000257.4 (MANE Select); coding-DNA position 1191, G replaced by C.
Protein change: p.Lys397Asn; replaces lysine 397 with asparagine.
Molecular consequence: missense variant.
Genome position (GRCh38, 1-based): chr14:23,429,295, C>G on the plus strand (G>C on the coding strand, the complement: MYH7 is on the minus strand). VCF-style: chr14-23429295-C-G. GRCh37 (hg19) VCF-style: chr14-23898504-C-G.
Other names: c.1191G>C, p.Lys397Asn (NM_001407004.1); short protein forms K397N.
Identifiers: ClinVar variation 1745082 (VCV001745082.5), dbSNP rs139506719, ClinGen allele CA389051154.